The following is an entry in ClinVar:

ClinVar aggregate classification (germline): Benign (1 of 4 stars; one submission).

Allele frequency attached by ClinVar (database versions not stated): gnomAD 0.04638 and 0.04799; TOPMed 0.04999; 1000 Genomes Project 0.05072; 1000 Genomes Project 30x 0.05497.
gnomAD v4.1: 24,982 of 1,074,300 alleles (2.3%); highest among the groups gnomAD compares: African/African-American, 12%; 647 homozygotes.

Submission:

GeneDx
Classification: Benign. Last evaluated: 2018-06-18. Review status: criteria provided, single submitter. Criteria: GeneDx Variant Classification (06012015). Collection method: clinical testing. Allele origin: germline. Affected: yes.
Comment: This variant is considered likely benign or benign based on one or more of the following criteria: it is a conservative change, it occurs at a poorly conserved position in the protein, it is predicted to be benign by multiple in silico algorithms, and/or has population frequency not consistent with disease.

NM_022114.4(PRDM16):c.885-136C>A

Gene: PRDM16 (PR/SET domain 16; plus strand). Cytogenetic location: 1p36.32.
Variant type: single nucleotide variant.
Coding change: c.885-136C>A on transcript NM_022114.4 (MANE Select); 136 bases into the intron before coding-DNA position 885, C replaced by A.
Molecular consequence: intron variant.
Genome position (GRCh38, 1-based): chr1:3,404,603, C>A. VCF-style: chr1-3404603-C-A. GRCh37 (hg19) VCF-style: chr1-3321167-C-A.
Other names: c.885-136C>A (NM_199454.3).
Identifiers: ClinVar variation 674710 (VCV000674710.1), dbSNP rs41315264, ClinGen allele CA10867005.
Genomic context (GRCh38, chr1:3,404,603, plus strand): 5'-GAAGGCCGCCTCTGCCCCTCACAGCCCGGCCACGGCAGAGAGGAGGTGGGCAGGGAGACA[C>A]CAGCATGTGCTCTGATCCCTCGGCAGCGTGGTGGGGGCTCCGAAGGGGCACTGGGAACAA-3'